The following is an entry in ClinVar:

NM_000020.3(ACVRL1):c.329C>A (p.Ser110Ter)

Gene: ACVRL1 (activin A receptor like type 1; plus strand). Cytogenetic location: 12q13.13.
Variant type: single nucleotide variant.
Coding change: c.329C>A on transcript NM_000020.3 (MANE Select); coding-DNA position 329, C replaced by A.
Protein change: p.Ser110Ter; replaces serine 110 with a stop codon.
Molecular consequence: nonsense.
Genome position (GRCh38, 1-based): chr12:51,913,574, C>A. VCF-style: chr12-51913574-C-A. GRCh37 (hg19) VCF-style: chr12-52307358-C-A.
Other names: c.329C>A, p.Ser110Ter (NM_001077401.2); short protein forms S110*.
Identifiers: ClinVar variation 1073041 (VCV001073041.8), dbSNP rs143872998, ClinGen allele CA384898313.
Genomic context (GRCh38, chr12:51,913,574, plus strand): 5'-GAGCTGACCTAGTGGAAGCTGAGCCTCAGTGTCCCCCTCCCTCAGCCACCCAACCTCCTT[C>A]GGAGCAGCCGGGAACAGATGGCCAGCTGGCCCTGATCCTGGGCCCCGTGCTGGCCTTGCT-3'

ClinVar aggregate classification (germline): Pathogenic/Likely pathogenic. Review status: criteria provided, multiple submitters, no conflicts (2 of 4 stars). 2 submissions from 2 submitters: Pathogenic (1); Likely pathogenic (1). Last evaluated 2020-08-23.

Conditions:
Telangiectasia, hereditary hemorrhagic, type 2 (HHT2). Also called: Telangiectasia, hereditary hemorrhagic, type II; ACVRL1-Related Hereditary Hemorrhagic Telangiectasia. Identifiers: Orphanet 774, MedGen C1838163, MONDO:0010880, OMIM 600376. Disease mechanism: loss of function.
ACVRL1-related disorder. Also called: ACVRL1-related disorders; ACVRL1-related condition.

Submissions (2):

Labcorp Genetics (formerly Invitae), Labcorp
Classification: Pathogenic for Telangiectasia, hereditary hemorrhagic, type 2. Last evaluated: 2020-08-23. Review status: criteria provided, single submitter. Criteria: Invitae Variant Classification Sherloc (09022015). Collection method: clinical testing. Allele origin: germline.
Comment: This sequence change creates a premature translational stop signal (p.Ser110*) in the ACVRL1 gene. It is expected to result in an absent or disrupted protein product. This variant is not present in population databases (ExAC no frequency). This variant has not been reported in the literature in individuals with ACVRL1-related conditions. Algorithms developed to predict the effect of sequence changes on RNA splicing suggest that this variant may create or strengthen a splice site, but this prediction has not been confirmed by published transcriptional studies. Loss-of-function variants in ACVRL1 are known to be pathogenic (PMID: 15879500). For these reasons, this variant has been classified as Pathogenic.

Blueprint Genetics
Classification: Likely pathogenic for ACVRL1-related disorders. Last evaluated: 2017-11-06. Review status: criteria provided, single submitter. Criteria: ACMG Guidelines, 2015. Collection method: clinical testing. Allele origin: germline. Affected: yes. Observed: 1 variant allele.

Literature cited by the submitters: PubMed 15879500 (cited by Labcorp Genetics (formerly Invitae), Labcorp).